The following is an entry in ClinVar:

NM_021098.3(CACNA1H):c.3331G>C (p.Gly1111Arg)

Gene: CACNA1H (calcium voltage-gated channel subunit alpha1 H; plus strand). Cytogenetic location: 16p13.3.
Variant type: single nucleotide variant.
Coding change: c.3331G>C on transcript NM_021098.3 (MANE Select); coding-DNA position 3331, G replaced by C.
Protein change: p.Gly1111Arg; replaces glycine 1111 with arginine.
Molecular consequence: missense variant.
Genome position (GRCh38, 1-based): chr16:1,208,189, G>C. VCF-style: chr16-1208189-G-C. GRCh37 (hg19) VCF-style: chr16-1258189-G-C.
Other names: c.3331G>C, p.Gly1111Arg (NM_001005407.2); short protein forms G1111R.
Identifiers: ClinVar variation 572432 (VCV000572432.12), dbSNP rs59529743, ClinGen allele CA7800720.
Genomic context (GRCh38, chr16:1,208,189, plus strand): 5'-TCACCATTCCTGGATGCAGCCCCCAGCCTCCCAGACTCTCGGCGTGGCAGCAGCAGCTCC[G>C]GGGACCCGCCACTGGGAGACCAGAAGCCTCCGGTAGGGACCATCTCCTGCCCCAGCTCTC-3'
Protein context (NP_066921.2, residues 1101-1121): PDSRRGSSSS[Gly1111Arg]DPPLGDQKPP

ClinVar aggregate classification (germline): Uncertain significance. Review status: criteria provided, multiple submitters, no conflicts (2 of 4 stars). 3 submissions from 3 submitters: Uncertain significance (3). Last evaluated 2025-09-21.

Conditions:
Hyperaldosteronism, familial, type IV (HALD4). Also called: FH IV; ALDOSTERONISM, PRIMARY, AND HYPERTENSION. Identifiers: Orphanet 642671, MedGen C4310756, MONDO:0014875, OMIM 617027.
Epilepsy, childhood absence, susceptibility to, 6. Identifiers: Orphanet 64280, MedGen C2749872, MONDO:0012763, OMIM 611942.
Idiopathic generalized epilepsy. Also called: Generalised epilepsy; EIG. Identifiers: MedGen C0270850, MONDO:0005579, OMIM 600669.

Allele frequency attached by ClinVar (database versions not stated): TOPMed 0.00003.
gnomAD v4.1: 25 of 1,550,438 alleles (0.0016%); highest among the groups gnomAD compares: South Asian, 0.015%; no homozygotes.

Submissions (3):

Labcorp Genetics (formerly Invitae), Labcorp
Classification: Uncertain significance for Idiopathic generalized epilepsy; Hyperaldosteronism, familial, type IV. Last evaluated: 2025-09-21. Review status: criteria provided, single submitter. Criteria: Invitae Variant Classification Sherloc (09022015). Collection method: clinical testing. Allele origin: germline.
Comment: This sequence change replaces glycine, which is neutral and non-polar, with arginine, which is basic and polar, at codon 1111 of the CACNA1H protein (p.Gly1111Arg). This variant is present in population databases (rs59529743, gnomAD 0.02%). This variant has not been reported in the literature in individuals affected with CACNA1H-related conditions. ClinVar contains an entry for this variant (Variation ID: 572432). Invitae Evidence Modeling of protein sequence and biophysical properties (such as structural, functional, and spatial information, amino acid conservation, physicochemical variation, residue mobility, and thermodynamic stability) indicates that this missense variant is not expected to disrupt CACNA1H protein function with a negative predictive value of 80%. In summary, the available evidence is currently insufficient to determine the role of this variant in disease. Therefore, it has been classified as a Variant of Uncertain Significance.

Fulgent Genetics
Classification: Uncertain significance for Epilepsy, childhood absence, susceptibility to, 6; Hyperaldosteronism, familial, type IV. Last evaluated: 2022-05-18. Review status: criteria provided, single submitter. Criteria: ACMG Guidelines, 2015. Collection method: clinical testing. Allele origin: unknown.

Athena Diagnostics
Classification: Uncertain significance. Last evaluated: 2018-04-23. Review status: criteria provided, single submitter. Criteria: Athena Diagnostics Criteria. Collection method: clinical testing. Allele origin: germline.